The following is an entry in ClinVar:

NM_024747.6(HPS6):c.448G>A (p.Gly150Ser)

Gene: HPS6 (HPS6 biogenesis of lysosomal organelles complex 2 subunit 3; plus strand). Cytogenetic location: 10q24.32.
Variant type: single nucleotide variant.
Coding change: c.448G>A on transcript NM_024747.6 (MANE Select); coding-DNA position 448, G replaced by A.
Protein change: p.Gly150Ser; replaces glycine 150 with serine.
Molecular consequence: missense variant.
Genome position (GRCh38, 1-based): chr10:102,065,922, G>A. VCF-style: chr10-102065922-G-A. GRCh37 (hg19) VCF-style: chr10-103825679-G-A.
Other names: short protein forms G150S.
Identifiers: ClinVar variation 1922480 (VCV001922480.5), dbSNP rs1461317031, ClinGen allele CA377857305.

ClinVar aggregate classification (germline): Uncertain significance (1 of 4 stars; one submission).

Submission:

Labcorp Genetics (formerly Invitae), Labcorp
Classification: Uncertain significance. Last evaluated: 2022-07-06. Review status: criteria provided, single submitter. Criteria: Invitae Variant Classification Sherloc (09022015). Collection method: clinical testing. Allele origin: germline.
Comment: In summary, the available evidence is currently insufficient to determine the role of this variant in disease. Therefore, it has been classified as a Variant of Uncertain Significance. Algorithms developed to predict the effect of missense changes on protein structure and function (SIFT, PolyPhen-2, Align-GVGD) all suggest that this variant is likely to be tolerated. This variant has not been reported in the literature in individuals affected with HPS6-related conditions. This variant is not present in population databases (gnomAD no frequency). This sequence change replaces glycine, which is neutral and non-polar, with serine, which is neutral and polar, at codon 150 of the HPS6 protein (p.Gly150Ser).